The following is an entry in ClinVar:

NM_007347.5(AP4E1):c.1624A>T (p.Met542Leu)

Gene: AP4E1 (adaptor related protein complex 4 subunit epsilon 1; plus strand). Cytogenetic location: 15q21.2.
Variant type: single nucleotide variant.
Coding change: c.1624A>T on transcript NM_007347.5 (MANE Select); coding-DNA position 1624, A replaced by T.
Protein change: p.Met542Leu; replaces methionine 542 with leucine.
Molecular consequence: missense variant.
Genome position (GRCh38, 1-based): chr15:50,958,567, A>T. VCF-style: chr15-50958567-A-T. GRCh37 (hg19) VCF-style: chr15-51250764-A-T.
Other names: c.1399A>T, p.Met467Leu (NM_001252127.2); short protein forms M467L, M542L.
Identifiers: ClinVar variation 2728367 (VCV002728367.3), dbSNP rs542940704, ClinGen allele CA7559127.

ClinVar aggregate classification (germline): Uncertain significance (1 of 4 stars; one submission).

Conditions:
Spastic paraplegia. Identifiers: MedGen C0037772, HP:0001258.

gnomAD v4.1: 6 of 1,614,002 alleles (0.00037%); highest among the groups gnomAD compares: African/African-American, 0.0067%; no homozygotes.

Submission:

Labcorp Genetics (formerly Invitae), Labcorp
Classification: Uncertain significance for Spastic paraplegia. Last evaluated: 2023-04-20. Review status: criteria provided, single submitter. Criteria: Invitae Variant Classification Sherloc (09022015). Collection method: clinical testing. Allele origin: germline.
Comment: In summary, the available evidence is currently insufficient to determine the role of this variant in disease. Therefore, it has been classified as a Variant of Uncertain Significance. An algorithm developed to predict the effect of missense changes on protein structure and function (PolyPhen-2) suggests that this variant is likely to be tolerated. This variant has not been reported in the literature in individuals affected with AP4E1-related conditions. This variant is present in population databases (rs542940704, gnomAD 0.005%). This sequence change replaces methionine, which is neutral and non-polar, with leucine, which is neutral and non-polar, at codon 542 of the AP4E1 protein (p.Met542Leu).